The following is an entry in ClinVar:

NM_001378454.1(ALMS1):c.3438A>G (p.Gln1146=)

Gene: ALMS1 (ALMS1 centrosome and basal body associated protein; plus strand). Cytogenetic location: 2p13.1.
Variant type: single nucleotide variant.
Coding change: c.3438A>G on transcript NM_001378454.1 (MANE Select); coding-DNA position 3438, A replaced by G.
Protein change: p.Gln1146=; no amino-acid change (glutamine 1146 retained).
Molecular consequence: synonymous variant.
Genome position (GRCh38, 1-based): chr2:73,449,965, A>G. VCF-style: chr2-73449965-A-G. GRCh37 (hg19) VCF-style: chr2-73677092-A-G.
Other names: c.3441A>G, p.Gln1147= (NM_015120.4).
Identifiers: ClinVar variation 3358404 (VCV003358404.1).

ClinVar aggregate classification (germline): Likely benign (0 of 4 stars; one submission).

Conditions:
ALMS1-related disorder. Also called: ALMS1-related condition.

gnomAD v4.1: 1 of 1,613,898 alleles (0.000062%); highest among the groups gnomAD compares: African/African-American, 0.0013%; no homozygotes.

Submission:

PreventionGenetics, part of Exact Sciences
Classification: Likely benign for ALMS1-related condition. Last evaluated: 2022-07-19. Review status: no assertion criteria provided. Collection method: clinical testing. Allele origin: germline.
Comment: This variant is classified as likely benign based on ACMG/AMP sequence variant interpretation guidelines (Richards et al. 2015 PMID: 25741868, with internal and published modifications).